The following is an entry in ClinVar:

NM_015102.5(NPHP4):c.946C>T (p.Arg316Cys)

Gene: NPHP4 (nephrocystin 4; minus strand). Cytogenetic location: 1p36.31.
Variant type: single nucleotide variant.
Coding change: c.946C>T on transcript NM_015102.5 (MANE Select); coding-DNA position 946, C replaced by T.
Protein change: p.Arg316Cys; replaces arginine 316 with cysteine.
Molecular consequence: missense variant. On other transcripts: 5 prime UTR variant (2), non-coding transcript variant (1).
Genome position (GRCh38, 1-based): chr1:5,948,116, G>A on the plus strand (C>T on the coding strand, the complement: NPHP4 is on the minus strand). VCF-style: chr1-5948116-G-A. GRCh37 (hg19) VCF-style: chr1-6008176-G-A.
Other names: p.Arg316Cys; c.946C>T (NM_015102.3); c.-421C>T (NM_001291593.2, NM_001291594.2); short protein forms R316C.
Identifiers: ClinVar variation 531618 (VCV000531618.18), dbSNP rs761345213, ClinGen allele CA554697.

ClinVar aggregate classification (germline): Conflicting classifications of pathogenicity. Review status: criteria provided, conflicting classifications (1 of 4 stars). 7 submissions from 7 submitters: Uncertain significance (6); Likely benign (1). Last evaluated 2025-10-07.

Conditions:
NPHP4-related disorder. Also called: NPHP4-related condition; NPHP4-related disorders. Identifiers: MedGen CN239384.
Inborn genetic diseases. Identifiers: MedGen C0950123, MeSH D030342.
Nephronophthisis. Also called: Juvenile Nephronophthisis. Identifiers: Orphanet 655, MedGen C0687120, MONDO:0019005, HP:0000090.
Senior-Loken syndrome 4 (SLSN4). Identifiers: Orphanet 3156, MedGen C1846979, MONDO:0011756, OMIM 606996.
Nephronophthisis 4 (NPHP4). Also called: NEPHRONOPHTHISIS 4, JUVENILE. Identifiers: Orphanet 655, MedGen C1847013, MONDO:0011752, OMIM 606966.

Allele frequency attached by ClinVar (database versions not stated): gnomAD 0.00006 and 0.00007; gnomAD exomes 0.00010 and 0.00024; ExAC 0.00012; TOPMed 0.00017.

Submissions (7):

Ambry Genetics
Classification: Uncertain significance for Inborn genetic diseases. Last evaluated: 2025-10-07. Review status: criteria provided, single submitter. Criteria: Ambry Variant Classification Scheme 2023. Collection method: clinical testing. Allele origin: germline.

PreventionGenetics, part of Exact Sciences
Classification: Uncertain significance for NPHP4-related condition. Last evaluated: 2025-09-04. Review status: criteria provided, single submitter. Criteria: ACMG Guidelines, 2015. Collection method: clinical testing. Allele origin: germline.
Comment: The NPHP4 c.946C>T variant is predicted to result in the amino acid substitution p.Arg316Cys. To our knowledge, this variant has not been reported in the literature. This variant is reported in 0.12% of alleles in individuals of Latino descent in gnomAD. Although we suspect that this variant may be benign, at this time, the clinical significance of this variant is uncertain due to the absence of conclusive functional and genetic evidence.

Labcorp Genetics (formerly Invitae), Labcorp
Classification: Uncertain significance for Nephronophthisis. Last evaluated: 2025-01-06. Review status: criteria provided, single submitter. Criteria: Invitae Variant Classification Sherloc (09022015). Collection method: clinical testing. Allele origin: germline.
Comment: This sequence change replaces arginine, which is basic and polar, with cysteine, which is neutral and slightly polar, at codon 316 of the NPHP4 protein (p.Arg316Cys). This variant is present in population databases (rs761345213, gnomAD 0.1%). This variant has not been reported in the literature in individuals affected with NPHP4-related conditions. ClinVar contains an entry for this variant (Variation ID: 531618). Invitae Evidence Modeling of protein sequence and biophysical properties (such as structural, functional, and spatial information, amino acid conservation, physicochemical variation, residue mobility, and thermodynamic stability) indicates that this missense variant is expected to disrupt NPHP4 protein function with a positive predictive value of 80%. In summary, the available evidence is currently insufficient to determine the role of this variant in disease. Therefore, it has been classified as a Variant of Uncertain Significance.

Mayo Clinic Laboratories, Mayo Clinic
Classification: Uncertain significance. Last evaluated: 2024-11-12. Review status: criteria provided, single submitter. Criteria: ACMG Guidelines, 2015. Collection method: clinical testing. Allele origin: germline. Observed: 1 variant allele.

Blueprint Genetics
Classification: Likely benign. Last evaluated: 2024-07-02. Review status: criteria provided, single submitter. Criteria: ACMG Guidelines, 2015. Collection method: clinical testing. Allele origin: germline.

Fulgent Genetics
Classification: Uncertain significance for Nephronophthisis 4; Senior-Loken syndrome 4. Last evaluated: 2024-05-24. Review status: criteria provided, single submitter. Criteria: ACMG Guidelines, 2015. Collection method: clinical testing. Allele origin: germline.

Eurofins Ntd Llc (ga)
Classification: Uncertain significance. Last evaluated: 2017-12-20. Review status: criteria provided, single submitter. Criteria: EGL Classification Definitions 2015. Collection method: clinical testing. Allele origin: germline. Observed: 2 variant alleles, 2 heterozygotes.